The following is an entry in ClinVar:

ClinVar aggregate classification (germline): Uncertain significance (1 of 4 stars; one submission).

Conditions:
Autosomal dominant polycystic kidney disease. Identifiers: Orphanet 730, MedGen C0085413, MONDO:0004691.

Submission:

Labcorp Genetics (formerly Invitae), Labcorp
Classification: Uncertain significance for Autosomal dominant polycystic kidney disease. Last evaluated: 2023-02-09. Review status: criteria provided, single submitter. Criteria: Invitae Variant Classification Sherloc (09022015). Collection method: clinical testing. Allele origin: germline.
Comment: This sequence change replaces alanine, which is neutral and non-polar, with threonine, which is neutral and polar, at codon 552 of the PKD2 protein (p.Ala552Thr). This variant is not present in population databases (gnomAD no frequency). In summary, the available evidence is currently insufficient to determine the role of this variant in disease. Therefore, it has been classified as a Variant of Uncertain Significance. Advanced modeling of protein sequence and biophysical properties (such as structural, functional, and spatial information, amino acid conservation, physicochemical variation, residue mobility, and thermodynamic stability) performed at Invitae indicates that this missense variant is not expected to disrupt PKD2 protein function. This variant has not been reported in the literature in individuals affected with PKD2-related conditions.

NM_000297.4(PKD2):c.1654G>A (p.Ala552Thr)

Gene: PKD2 (polycystin 2, transient receptor potential cation channel; plus strand). Cytogenetic location: 4q22.1.
Variant type: single nucleotide variant.
Coding change: c.1654G>A on transcript NM_000297.4 (MANE Select); coding-DNA position 1654, G replaced by A.
Protein change: p.Ala552Thr; replaces alanine 552 with threonine.
Molecular consequence: missense variant. On other transcripts: non-coding transcript variant (1).
Genome position (GRCh38, 1-based): chr4:88,052,096, G>A. VCF-style: chr4-88052096-G-A. GRCh37 (hg19) VCF-style: chr4-88973248-G-A.
Other names: short protein forms A552T.
Identifiers: ClinVar variation 2728442 (VCV002728442.3), dbSNP rs369908107, ClinGen allele CA357622032.